The following is an entry in ClinVar:

ClinVar aggregate classification (germline): Uncertain significance (1 of 4 stars; one submission).

Conditions:
EGFR-related lung cancer (EGFR). Identifiers: MedGen CN130014.

Submission:

Labcorp Genetics (formerly Invitae), Labcorp
Classification: Uncertain significance for EGFR-related lung cancer. Last evaluated: 2022-12-16. Review status: criteria provided, single submitter. Criteria: Invitae Variant Classification Sherloc (09022015). Collection method: clinical testing. Allele origin: unknown.
Comment: This variant is a gross deletion of the genomic region encompassing exon(s) 23 of the EGFR gene. This variant would be expected to be in-frame, preserving the integrity of the reading frame. In summary, the available evidence is currently insufficient to determine the role of this variant in disease. Therefore, it has been classified as a Variant of Uncertain Significance. Experimental studies and prediction algorithms are not available or were not evaluated, and the functional significance of this variant is currently unknown. This variant has not been reported in the literature in individuals affected with EGFR-related conditions.

NC_000007.13:g.(?_55266390)_(55266576_?)del

Gene: EGFR (epidermal growth factor receptor; plus strand). Cytogenetic location: 7p11.2.
Variant type: Deletion.
Identifiers: ClinVar variation 3245832 (VCV003245832.1).